The following is an entry in ClinVar:

ClinVar aggregate classification (germline): Uncertain significance (1 of 4 stars; one submission).

Conditions:
NIK deficiency. Also called: Primary immunodeficiency with multifaceted aberrant lymphoid immunity. Identifiers: Orphanet 447731, MedGen C5680065, MONDO:0018642.

Allele frequency attached by ClinVar (database versions not stated): gnomAD exomes below 0.00001; TOPMed below 0.00001; gnomAD 0.00001.
gnomAD v4.1: 2 of 1,610,508 alleles (0.00012%); highest among the groups gnomAD compares: Non-Finnish European, 0.00017%; no homozygotes.

Submission:

Labcorp Genetics (formerly Invitae), Labcorp
Classification: Uncertain significance for NIK deficiency. Last evaluated: 2020-10-30. Review status: criteria provided, single submitter. Criteria: Invitae Variant Classification Sherloc (09022015). Collection method: clinical testing. Allele origin: germline.
Comment: This sequence change replaces alanine with serine at codon 816 of the MAP3K14 protein (p.Ala816Ser). The alanine residue is highly conserved and there is a moderate physicochemical difference between alanine and serine. This variant is not present in population databases (ExAC no frequency). This variant has not been reported in the literature in individuals with MAP3K14-related conditions. Experimental studies and prediction algorithms are not available or were not evaluated, and the functional significance of this variant is currently unknown. In summary, the available evidence is currently insufficient to determine the role of this variant in disease. Therefore, it has been classified as a Variant of Uncertain Significance.

NM_003954.5(MAP3K14):c.2446G>T (p.Ala816Ser)

Genes: MAP3K14 (mitogen-activated protein kinase kinase kinase 14; minus strand), MAP3K14-AS1 (MAP3K14 antisense RNA 1; plus strand), LOC126862575 (CDK7 strongly-dependent group 2 enhancer GRCh37_chr17:43344006-43345205; plus strand). Cytogenetic location: 17q21.31.
Variant type: single nucleotide variant.
Coding change: c.2446G>T on transcript NM_003954.5 (MANE Select); coding-DNA position 2446, G replaced by T.
Protein change: p.Ala816Ser; replaces alanine 816 with serine.
Molecular consequence: missense variant.
Genome position (GRCh38, 1-based): chr17:45,266,669, C>A on the plus strand (G>T on the coding strand, the complement: MAP3K14 is on the minus strand). VCF-style: chr17-45266669-C-A. GRCh37 (hg19) VCF-style: chr17-43344036-C-A.
Other names: short protein forms A816S.
Identifiers: ClinVar variation 1419904 (VCV001419904.1), dbSNP rs1448883564, ClinGen allele CA399872394.